The following is an entry in ClinVar:

ClinVar aggregate classification (germline): Pathogenic. Review status: criteria provided, single submitter (1 of 4 stars). 2 submissions from 2 submitters: Pathogenic (1). 1 of the submissions does not count toward it. Last evaluated 2025-05-07.

Conditions:
Ehlers-Danlos syndrome, classic type, 1 (EDSCL1). Also called: Ehlers-Danlos Syndrome, Classic Type, COL5A1-Related; EDS I; Ehlers-Danlos syndrome, type 1; EHLERS-DANLOS SYNDROME, GRAVIS TYPE; EHLERS-DANLOS SYNDROME, SEVERE CLASSIC TYPE. Identifiers: MedGen C0268335, MONDO:0019567, OMIM 130000.
Osteogenesis imperfecta type I (OI1). Also called: Lobstein disease; Classic Non-deforming Osteogenesis Imperfecta with Blue Sclerae; OI, TYPE I; OSTEOGENESIS IMPERFECTA TARDA; OSTEOGENESIS IMPERFECTA WITH BLUE SCLERAE; Osteogenesis imperfecta type 1. Identifiers: Orphanet 216796, Orphanet 666, MedGen C0023931, MONDO:0008146, OMIM 166200. Disease mechanism: loss of function.
Ehlers-Danlos syndrome, arthrochalasia type, 2. Also called: EHLERS-DANLOS SYNDROME, TYPE VIIB, AUTOSOMAL DOMINANT. Identifiers: MedGen CN293783, MONDO:0040501, OMIM 617821.

Submissions (2):

Labcorp Genetics (formerly Invitae), Labcorp
Classification: Pathogenic for Osteogenesis imperfecta type I; Ehlers-Danlos syndrome, classic type, 1. Last evaluated: 2025-05-07. Review status: criteria provided, single submitter. Criteria: Invitae Variant Classification Sherloc (09022015). Collection method: clinical testing. Allele origin: germline.
Comment: This sequence change affects a donor splice site in intron 6 of the COL1A2 gene. It is expected to disrupt RNA splicing. Variants that disrupt the donor or acceptor splice site typically lead to a loss of protein function (PMID: 16199547), and loss-of-function variants in COL1A2 are known to be disease-causing for autosomal recessive COL1A2-related conditions (PMID: 15077201, 11288717). However, certain variants affecting donor or acceptor splice sites in the triple helical domain of COL1A2 are expected to result in in-frame exon skipping and have been reported to cause autosomal dominant COL1A2-related conditions (PMID: 17078022, 9295084). This variant is not present in population databases (gnomAD no frequency). Disruption of this splice site has been observed in individuals with autosomal dominant Ehlers-Danlos syndrome (PMID: 2454224, 8081389, 23158907; internal data). This variant is also known as IVS6 + 2 T > C. ClinVar contains an entry for this variant (Variation ID: 17233). Algorithms developed to predict the effect of sequence changes on RNA splicing suggest that this variant may disrupt the consensus splice site. For these reasons, this variant has been classified as Pathogenic.

OMIM
Classification: Pathogenic for EHLERS-DANLOS SYNDROME, ARTHROCHALASIA TYPE, 2. Last evaluated: 1994-01-01. Review status: no assertion criteria provided. Collection method: literature only. Allele origin: germline. Not counted in ClinVar's aggregate classification.

Literature cited by the submitters: PubMed 16199547 (cited by Labcorp Genetics (formerly Invitae), Labcorp); PubMed 15077201 (cited by Labcorp Genetics (formerly Invitae), Labcorp); PubMed 11288717 (cited by Labcorp Genetics (formerly Invitae), Labcorp); PubMed 17078022 (cited by Labcorp Genetics (formerly Invitae), Labcorp); PubMed 9295084 (cited by Labcorp Genetics (formerly Invitae), Labcorp); PubMed 2454224 (cited by Labcorp Genetics (formerly Invitae), Labcorp and OMIM); PubMed 8081389 (cited by Labcorp Genetics (formerly Invitae), Labcorp and OMIM); PubMed 23158907 (cited by Labcorp Genetics (formerly Invitae), Labcorp); PubMed 6773953 (cited by OMIM); PubMed 3680255 (cited by OMIM).

NM_000089.4(COL1A2):c.279+2T>C

Gene: COL1A2 (collagen type I alpha 2 chain; plus strand). Cytogenetic location: 7q21.3.
Variant type: single nucleotide variant.
Coding change: c.279+2T>C on transcript NM_000089.4 (MANE Select); the canonical splice donor site of the intron after coding-DNA position 279, T replaced by C.
Molecular consequence: splice donor variant.
Genome position (GRCh38, 1-based): chr7:94,401,622, T>C. VCF-style: chr7-94401622-T-C. GRCh37 (hg19) VCF-style: chr7-94030934-T-C.
Other names: IVS6DS, T-C, +2.
Identifiers: ClinVar variation 17233 (VCV000017233.8), dbSNP rs72656357, ClinGen allele CA212996.
Genomic context (GRCh38, chr7:94,401,622, plus strand): 5'-TCTAGAACTTTGCTGCTCAGTATGATGGAAAAGGAGTTGGACTTGGCCCTGGACCAATGG[T>C]ATGCTTATCTGTTTATCTTAGCCAAAAAAATTGCTAAATAAATCATTCATTTTATGTCAC-3'